The following is an entry in ClinVar:

ClinVar aggregate classification (germline): Uncertain significance (1 of 4 stars; one submission).

Conditions:
Progressive familial heart block type IB (PFHB1B). Identifiers: Orphanet 871, MedGen C1970298, MONDO:0011474, OMIM 604559.

Submission:

Labcorp Genetics (formerly Invitae), Labcorp
Classification: Uncertain significance for Progressive familial heart block type IB. Last evaluated: 2024-11-26. Review status: criteria provided, single submitter. Criteria: Invitae Variant Classification Sherloc (09022015). Collection method: clinical testing. Allele origin: germline.
Comment: This sequence change affects a donor splice site in intron 4 of the TRPM4 gene. It is expected to disrupt RNA splicing. Variants that disrupt the donor or acceptor splice site typically lead to a loss of protein function (PMID: 16199547), however the current clinical and genetic evidence is not sufficient to establish whether loss-of-function variants in TRPM4 cause disease. This variant is not present in population databases (gnomAD no frequency). This variant has not been reported in the literature in individuals affected with TRPM4-related conditions. Algorithms developed to predict the effect of sequence changes on RNA splicing suggest that this variant may disrupt the consensus splice site. In summary, the available evidence is currently insufficient to determine the role of this variant in disease. Therefore, it has been classified as a Variant of Uncertain Significance.

Literature cited by the submitters: PubMed 16199547.

NM_017636.4(TRPM4):c.448+1G>A

Gene: TRPM4 (transient receptor potential cation channel subfamily M member 4; plus strand). Cytogenetic location: 19q13.33.
Variant type: single nucleotide variant.
Coding change: c.448+1G>A on transcript NM_017636.4 (MANE Select); the canonical splice donor site of the intron after coding-DNA position 448, G replaced by A.
Molecular consequence: splice donor variant. On other transcripts: intron variant (4).
Genome position (GRCh38, 1-based): chr19:49,168,098, G>A. VCF-style: chr19-49168098-G-A. GRCh37 (hg19) VCF-style: chr19-49671355-G-A.
Other names: c.448+1G>A (NM_001195227.2); c.-1105-162G>A (NM_001321282.2); c.268-455G>A (NM_001321281.2); c.-74-162G>A (NM_001321283.2); c.-237-455G>A (NM_001321285.2).
Identifiers: ClinVar variation 3726123 (VCV003726123.2).